The following is an entry in ClinVar:

ClinVar aggregate classification (germline): Likely benign. Review status: criteria provided, multiple submitters, no conflicts (2 of 4 stars). 2 submissions from 2 submitters: Likely benign (2). Last evaluated 2025-04-09.

Allele frequency attached by ClinVar (database versions not stated): gnomAD exomes 0.00012 and 0.00058; ESP Exome Variant Server 0.00023; gnomAD 0.00023 and 0.00028; ExAC 0.00039; TOPMed 0.00039; 1000 Genomes Project 30x 0.00156; 1000 Genomes Project 0.00200.
gnomAD v4.1: 229 of 1,614,184 alleles (0.014%); highest among the groups gnomAD compares: East Asian, 0.41%; 1 homozygote.

Submissions (2):

Molecular Diagnostic Laboratory for Inherited Cardiovascular Disease, Montreal Heart Institute
Classification: Likely benign. Last evaluated: 2025-04-09. Review status: criteria provided, single submitter. Criteria: ACMG Guidelines, 2015. Collection method: clinical testing. Allele origin: germline. Affected: no.
Comment: BS1;BP6

Blueprint Genetics
Classification: Likely benign. Last evaluated: 2024-11-06. Review status: criteria provided, single submitter. Criteria: ACMG Guidelines, 2015. Collection method: clinical testing. Allele origin: germline.

NM_006329.4(FBLN5):c.-9G>T

Gene: FBLN5 (fibulin 5; minus strand). Cytogenetic location: 14q32.12.
Variant type: single nucleotide variant.
Coding change: c.-9G>T on transcript NM_006329.4 (MANE Select); 9 bases upstream of the start codon, G replaced by T.
Molecular consequence: 5 prime UTR variant.
Genome position (GRCh38, 1-based): chr14:91,947,238, C>A on the plus strand (G>T on the coding strand, the complement: FBLN5 is on the minus strand). VCF-style: chr14-91947238-C-A. GRCh37 (hg19) VCF-style: chr14-92413582-C-A.
Other names: c.-9G>T (NM_001384158.1, NM_001384160.1); c.-278G>T (NM_001384161.1, NM_001384162.1).
Identifiers: ClinVar variation 314882 (VCV000314882.7), dbSNP rs184393277, ClinGen allele CA7313004.
Genomic context (GRCh38, chr14:91,947,238, plus strand): 5'-CCTGGAGAAAGAAAAGTCCAGCGCCGAGAACCCACCTTTTTATTCCTGGCATGTCCAAGA[C>A]GCGCGAGGAGGAGATGCGAAGGCGAGAAGAAAGCTCGCGGGCGGGACCCCCGGAGGAGCT-3'